The following is an entry in ClinVar:

NM_014989.7(RIMS1):c.2627C>G (p.Pro876Arg)

Gene: RIMS1 (regulating synaptic membrane exocytosis 1; plus strand). Cytogenetic location: 6q13.
Variant type: single nucleotide variant.
Coding change: c.2627C>G on transcript NM_014989.7 (MANE Select); coding-DNA position 2627, C replaced by G.
Protein change: p.Pro876Arg; replaces proline 876 with arginine.
Molecular consequence: missense variant.
Genome position (GRCh38, 1-based): chr6:72,251,297, C>G. VCF-style: chr6-72251297-C-G. GRCh37 (hg19) VCF-style: chr6-72961000-C-G.
Other names: c.1049C>G, p.Pro350Arg (NM_001168407.2, NM_001168408.2, NM_001350414.2 and 37 more transcripts); c.806C>G, p.Pro269Arg (NM_001168409.2, NM_001350461.2, NM_001350463.2 and 6 more transcripts); c.1004C>G, p.Pro335Arg (NM_001168410.2, NM_001350470.2, NM_001350472.2 and 2 more transcripts); c.980C>G, p.Pro327Arg (NM_001350421.2, NM_001350424.2, NM_001350428.2 and 6 more transcripts); short protein forms P335R, P350R, P269R, P327R, P876R.
Identifiers: ClinVar variation 1360199 (VCV001360199.6), dbSNP rs2154136390, ClinGen allele CA364680335.

ClinVar aggregate classification (germline): Uncertain significance (1 of 4 stars; one submission).

gnomAD v4.1: 2 of 1,599,942 alleles (0.00013%); highest among the groups gnomAD compares: Admixed American, 0.0034%; no homozygotes.

Submission:

Labcorp Genetics (formerly Invitae), Labcorp
Classification: Uncertain significance. Last evaluated: 2022-03-20. Review status: criteria provided, single submitter. Criteria: Invitae Variant Classification Sherloc (09022015). Collection method: clinical testing. Allele origin: germline.
Comment: Algorithms developed to predict the effect of missense changes on protein structure and function (SIFT, PolyPhen-2, Align-GVGD) all suggest that this variant is likely to be disruptive. In summary, the available evidence is currently insufficient to determine the role of this variant in disease. Therefore, it has been classified as a Variant of Uncertain Significance. This variant is not present in population databases (gnomAD no frequency). This variant has not been reported in the literature in individuals affected with RIMS1-related conditions. This sequence change replaces proline, which is neutral and non-polar, with arginine, which is basic and polar, at codon 876 of the RIMS1 protein (p.Pro876Arg).